The following is an entry in ClinVar:

ClinVar aggregate classification (germline): Uncertain significance. Review status: criteria provided, multiple submitters, no conflicts (2 of 4 stars). 3 submissions from 3 submitters: Uncertain significance (3). Last evaluated 2026-04-27.

Conditions:
Cardiovascular phenotype. Identifiers: MedGen CN230736.
Dilated cardiomyopathy 1II (CMD1II). Identifiers: Orphanet 154, MedGen C3554649, MONDO:0014073, OMIM 615184.

Allele frequency attached by ClinVar (database versions not stated): gnomAD exomes below 0.00001; TOPMed below 0.00001; ExAC 0.00003.
gnomAD v4.1: 6 of 1,608,874 alleles (0.00037%); highest among the groups gnomAD compares: Admixed American, 0.0034%; no homozygotes.

Submissions (3):

Women's Health and Genetics/Laboratory Corporation of America, LabCorp
Classification: Uncertain significance. Last evaluated: 2026-04-27. Review status: criteria provided, single submitter. Criteria: LabCorp Variant Classification Summary - May 2015. Collection method: clinical testing. Allele origin: germline.

Labcorp Genetics (formerly Invitae), Labcorp
Classification: Uncertain significance for Dilated cardiomyopathy 1II. Last evaluated: 2025-11-25. Review status: criteria provided, single submitter. Criteria: Invitae Variant Classification Sherloc (09022015). Collection method: clinical testing. Allele origin: germline.
Comment: This sequence change replaces arginine, which is basic and polar, with cysteine, which is neutral and slightly polar, at codon 22 of the CRYAB protein (p.Arg22Cys). This variant is present in population databases (rs781928709, gnomAD 0.006%). This variant has not been reported in the literature in individuals affected with CRYAB-related conditions. ClinVar contains an entry for this variant (Variation ID: 2890471). An algorithm developed to predict the effect of missense changes on protein structure and function (PolyPhen-2) suggests that this variant is likely to be disruptive. In summary, the available evidence is currently insufficient to determine the role of this variant in disease. Therefore, it has been classified as a Variant of Uncertain Significance.

Ambry Genetics
Classification: Uncertain significance for Cardiovascular phenotype. Last evaluated: 2025-07-02. Review status: criteria provided, single submitter. Criteria: Ambry Variant Classification Scheme 2023. Collection method: clinical testing. Allele origin: germline.

NM_001289808.2(CRYAB):c.64C>T (p.Arg22Cys)

Gene: CRYAB (crystallin alpha B; minus strand). Cytogenetic location: 11q23.1.
Variant type: single nucleotide variant.
Coding change: c.64C>T on transcript NM_001289808.2 (MANE Select); coding-DNA position 64, C replaced by T.
Protein change: p.Arg22Cys; replaces arginine 22 with cysteine.
Molecular consequence: missense variant.
Genome position (GRCh38, 1-based): chr11:111,911,661, G>A on the plus strand (C>T on the coding strand, the complement: CRYAB is on the minus strand). VCF-style: chr11-111911661-G-A. GRCh37 (hg19) VCF-style: chr11-111782385-G-A.
Other names: c.64C>T, p.Arg22Cys (NM_001289807.1, NM_001368245.1, NM_001885.3); c.64C>T (NM_001885.1); short protein forms R22C.
Identifiers: ClinVar variation 2890471 (VCV002890471.5), dbSNP rs781928709, ClinGen allele CA6275579.
Genomic context (GRCh38, chr11:111,911,661, plus strand): 5'-TAGACGTCGGGAAAAGATCAGACTCCAACAGGTGCTCTCCGAAGAACTGGTCAAAGAGGC[G>A]GCTGGGGGAGTGGAAAGGAAAGAAGGGGCGGCGGATCCAGGGGTGGTGGATGGCGATGTC-3'
Protein context (NP_001276737.1, residues 12-32): RPFFPFHSPS[Arg22Cys]LFDQFFGEHL